The following is an entry in ClinVar:

ClinVar aggregate classification (germline): Pathogenic/Likely pathogenic. Review status: criteria provided, multiple submitters, no conflicts (2 of 4 stars). 3 submissions from 3 submitters: Pathogenic (1); Likely pathogenic (2). Last evaluated 2025-09-08.

Conditions:
Congenital muscular hypertrophy-cerebral syndrome (CDLS2). Also called: Cornelia de Lange syndrome 2; SMC1A-Related Cornelia de Lange Syndrome. Identifiers: Orphanet 199, MedGen C1802395, MONDO:0010370, OMIM 300590.
Developmental and epileptic encephalopathy, 85, with or without midline brain defects. Also called: EPILEPTIC ENCEPHALOPATHY, EARLY INFANTILE, 85, WITH OR WITHOUT MIDLINE BRAIN DEFECTS. Identifiers: MedGen C5393312, MONDO:0026771, OMIM 301044.

Allele frequency attached by ClinVar (database versions not stated): gnomAD 0.00002.

Submissions (3):

GeneDx
Classification: Likely pathogenic. Last evaluated: 2025-09-08. Review status: criteria provided, single submitter. Criteria: GeneDx Variant Classification Process June 2021. Collection method: clinical testing. Allele origin: germline.
Comment: Missense variants in this gene are often considered pathogenic (HGMD); In silico analysis supports that this missense variant has a deleterious effect on protein structure/function; This variant is associated with the following publications: (PMID: 20358602, 36983691)

Fulgent Genetics
Classification: Likely pathogenic for Congenital muscular hypertrophy-cerebral syndrome; Developmental and epileptic encephalopathy, 85, with or without midline brain defects. Last evaluated: 2024-05-29. Review status: criteria provided, single submitter. Criteria: ACMG Guidelines, 2015. Collection method: clinical testing. Allele origin: germline.

Labcorp Genetics (formerly Invitae), Labcorp
Classification: Pathogenic for Congenital muscular hypertrophy-cerebral syndrome. Last evaluated: 2022-02-04. Review status: criteria provided, single submitter. Criteria: Invitae Variant Classification Sherloc (09022015). Collection method: clinical testing. Allele origin: germline.
Comment: Advanced modeling of protein sequence and biophysical properties (such as structural, functional, and spatial information, amino acid conservation, physicochemical variation, residue mobility, and thermodynamic stability) performed at Invitae indicates that this missense variant is expected to disrupt SMC1A protein function. For these reasons, this variant has been classified as Pathogenic. This variant disrupts the p.Arg711 amino acid residue in SMC1A. Other variant(s) that disrupt this residue have been determined to be pathogenic (PMID: 17273969). This suggests that this residue is clinically significant, and that variants that disrupt this residue are likely to be disease-causing. ClinVar contains an entry for this variant (Variation ID: 1076799). This missense change has been observed in individual(s) with Cornelia de Lange syndrome (PMID: 20358602). In at least one individual the variant was observed to be de novo. The frequency data for this variant in the population databases is considered unreliable, as metrics indicate poor data quality at this position in the gnomAD database. This sequence change replaces arginine, which is basic and polar, with glutamine, which is neutral and polar, at codon 711 of the SMC1A protein (p.Arg711Gln).

Literature cited by the submitters: PubMed 17273969 (cited by Labcorp Genetics (formerly Invitae), Labcorp); PubMed 20358602 (cited by Labcorp Genetics (formerly Invitae), Labcorp).

NM_006306.4(SMC1A):c.2132G>A (p.Arg711Gln)

Gene: SMC1A (structural maintenance of chromosomes 1A; minus strand). Cytogenetic location: Xp11.22.
Variant type: single nucleotide variant.
Coding change: c.2132G>A on transcript NM_006306.4 (MANE Select); coding-DNA position 2132, G replaced by A.
Protein change: p.Arg711Gln; replaces arginine 711 with glutamine.
Molecular consequence: missense variant.
Genome position (GRCh38, 1-based): chrX:53,405,076, C>T on the plus strand (G>A on the coding strand, the complement: SMC1A is on the minus strand). VCF-style: chrX-53405076-C-T. GRCh37 (hg19) VCF-style: chrX-53432008-C-T.
Other names: c.2066G>A, p.Arg689Gln (NM_001281463.1); c.2132G>A (NM_006306.2); short protein forms R689Q, R711Q.
Identifiers: ClinVar variation 1076799 (VCV001076799.11), dbSNP rs782176647, ClinGen allele CA10420477.